The following is an entry in ClinVar:

ClinVar aggregate classification (germline): Uncertain significance (1 of 4 stars; one submission).

Submission:

Labcorp Genetics (formerly Invitae), Labcorp
Classification: Uncertain significance. Last evaluated: 2022-09-13. Review status: criteria provided, single submitter. Criteria: Invitae Variant Classification Sherloc (09022015). Collection method: clinical testing. Allele origin: germline.
Comment: In summary, the available evidence is currently insufficient to determine the role of this variant in disease. Therefore, it has been classified as a Variant of Uncertain Significance. Algorithms developed to predict the effect of missense changes on protein structure and function are either unavailable or do not agree on the potential impact of this missense change (SIFT: "Deleterious"; PolyPhen-2: "Probably Damaging"; Align-GVGD: "Class C0"). This variant has not been reported in the literature in individuals affected with PACS2-related conditions. This variant is not present in population databases (gnomAD no frequency). This sequence change replaces asparagine, which is neutral and polar, with tyrosine, which is neutral and polar, at codon 17 of the PACS2 protein (p.Asn17Tyr).

NM_001100913.3(PACS2):c.49A>T (p.Asn17Tyr)

Genes: BRF1 (BRF1 general transcription factor IIIB subunit; minus strand), PACS2 (phosphofurin acidic cluster sorting protein 2; plus strand). Cytogenetic location: 14q32.33.
Variant type: single nucleotide variant.
Coding change: c.49A>T on transcript NM_001100913.3 (MANE Select); coding-DNA position 49, A replaced by T.
Protein change: p.Asn17Tyr; replaces asparagine 17 with tyrosine.
Molecular consequence: missense variant. On other transcripts: intron variant (4).
Genome position (GRCh38, 1-based): chr14:105,314,967, A>T. VCF-style: chr14-105314967-A-T. GRCh37 (hg19) VCF-style: chr14-105781304-A-T.
Other names: c.49A>T, p.Asn17Tyr (NM_015197.4); c.-162+355T>A (NM_001440451.1, NM_001242787.2, NM_001242786.2); c.-83+13988A>T (NM_001243127.3); short protein forms N17Y.
Identifiers: ClinVar variation 1928806 (VCV001928806.4), dbSNP rs2544198070, ClinGen allele CA391191477.